The following is an entry in ClinVar:

NM_002834.5(PTPN11):c.236A>G (p.Gln79Arg)

Gene: PTPN11 (protein tyrosine phosphatase non-receptor type 11; plus strand). Cytogenetic location: 12q24.13.
Variant type: single nucleotide variant.
Coding change: c.236A>G on transcript NM_002834.5 (MANE Select); coding-DNA position 236, A replaced by G.
Protein change: p.Gln79Arg; replaces glutamine 79 with arginine.
Molecular consequence: missense variant.
Genome position (GRCh38, 1-based): chr12:112,450,416, A>G. VCF-style: chr12-112450416-A-G. GRCh37 (hg19) VCF-style: chr12-112888220-A-G.
Other names: p.Q79R:CAG>CGG; c.236A>G, p.Gln79Arg (NM_001330437.2, NM_080601.3); c.233A>G, p.Gln78Arg (NM_001374625.1); short protein forms Q79R, Q78R.
Identifiers: ClinVar variation 13340 (VCV000013340.68), dbSNP rs121918466, ClinGen allele CA235322.
Genomic context (GRCh38, chr12:112,450,416, plus strand): 5'-CTGGTGATTACTATGACCTGTATGGAGGGGAGAAATTTGCCACTTTGGCTGAGTTGGTCC[A>G]GTATTACATGGAACATCACGGGCAATTAAAAGAGAAGAATGGAGATGTCATTGAGCTTAA-3'
Protein context (NP_002825.3, residues 69-89): EKFATLAELV[Gln79Arg]YYMEHHGQLK

ClinVar aggregate classification (germline): Pathogenic. Review status: criteria provided, multiple submitters, no conflicts (2 of 4 stars). 35 submissions from 35 submitters: Pathogenic (28). 7 of the submissions do not count toward it. Last evaluated 2026-02-24.

Conditions:
Congenital portosystemic shunt. Identifiers: Orphanet 480531, MedGen C1290495, MONDO:0018811.
PTPN11-related disorder. Also called: PTPN11-Related Disorders.
Noonan syndrome and Noonan-related syndrome. Identifiers: Orphanet 98733, MedGen C5681679, MONDO:0020297.
Monogenic short statue.
Cardiovascular phenotype. Identifiers: MedGen CN230736.
Metachondromatosis (METCDS). Identifiers: Orphanet 2499, MedGen C0410530, MONDO:0007979, OMIM 156250.
Juvenile myelomonocytic leukemia (JMML). Also called: LEUKEMIA, JUVENILE MYELOMONOCYTIC, SOMATIC. Identifiers: Orphanet 86834, MedGen C0349639, MONDO:0011908, OMIM 607785, HP:0012209.
Noonan syndrome 1 (NS1). Also called: TURNER PHENOTYPE WITH NORMAL KARYOTYPE; FEMALE PSEUDO-TURNER SYNDROME; PTPN11-Related Noonan Syndrome. Identifiers: Orphanet 648, MedGen C4551602, MONDO:0008104, OMIM 163950. Disease mechanism: gain of function.
LEOPARD syndrome 1 (LPRD1). Also called: PTPN11-Related LEOPARD Syndrome; LENTIGINOSIS, CARDIOMYOPATHIC; MULTIPLE LENTIGINES SYNDROME. Identifiers: Orphanet 500, MedGen C4551484, MONDO:0100082, OMIM 151100.
RASopathy. Also called: rasopathies; Noonan spectrum disorder. Identifiers: Orphanet 536391, MedGen C5555857, MONDO:0021060.
Noonan syndrome (NS). Also called: Noonan's syndrome. Identifiers: Orphanet 648, MedGen C0028326, MeSH D009634, MONDO:0018997. Disease mechanism: gain of function.
Noonan syndrome 3 (NS3). Also called: KRAS-Related Noonan Syndrome. Identifiers: Orphanet 648, MedGen C1860991, MONDO:0012371, OMIM 609942.

gnomAD v4.1: 1 of 1,613,916 alleles (0.000062%); highest among the groups gnomAD compares: Non-Finnish European, 0.000085%; no homozygotes.

Submissions 1 to 9 of 35:

PreventionGenetics, part of Exact Sciences
Classification: Pathogenic for PTPN11-related condition. Last evaluated: 2026-02-24. Review status: criteria provided, single submitter. Criteria: ACMG Guidelines, 2015. Collection method: clinical testing. Allele origin: germline.
Comment: The PTPN11 c.236A>G variant is predicted to result in the amino acid substitution p.Gln79Arg. This variant has been reported in individuals with Noonan syndrome and segregated with disease in affected family members (see, for example: Tartaglia et al. 2001. PubMed ID: 11704759; Karbach et al. 2012. PubMed ID: 22848035; Athota et al. 2020. PubMed ID: 32164556). It has also been reported to occur de novo (Karbach et al. 2012. PubMed ID: 22848035; Table S3, Fan et al. 2021. PubMed ID: 34006472). Experimental studies indicate this variant impacts protein function (see, for example: Krenz et al. 2005. PubMed ID: 16166557; Niihori et al. 2005. PubMed ID: 15834506; Nakamura et al. 2009. PubMed ID: 19706403). This variant has not been reported in a large population database (gnomAD), indicating it is rare. This variant is interpreted as pathogenic.

NHS Central & South Genomic Laboratory Hub
Classification: Pathogenic for Monogenic short statue. Last evaluated: 2025-10-21. Review status: criteria provided, single submitter. Criteria: ACMG Guidelines, 2015. Collection method: clinical testing. Allele origin: germline. Affected: yes.

Labcorp Genetics (formerly Invitae), Labcorp
Classification: Pathogenic for RASopathy. Last evaluated: 2025-09-05. Review status: criteria provided, single submitter. Criteria: Invitae Variant Classification Sherloc (09022015). Collection method: clinical testing. Allele origin: germline.
Comment: This sequence change replaces glutamine, which is neutral and polar, with arginine, which is basic and polar, at codon 79 of the PTPN11 protein (p.Gln79Arg). This variant is not present in population databases (gnomAD no frequency). This missense change has been observed in individual(s) with Noonan syndrome (PMID: 11704759, 11992261, 12529711, 12634870, 17020470, 22848035). In at least one individual the variant was observed to be de novo. It has also been observed to segregate with disease in related individuals. ClinVar contains an entry for this variant (Variation ID: 13340). Invitae Evidence Modeling incorporating data from in vitro experimental studies (internal data) indicates that this missense variant is expected to disrupt PTPN11 function with a positive predictive value of 95%. Experimental studies have shown that this missense change affects PTPN11 function (PMID: 16166557, 17641779, 19017799). For these reasons, this variant has been classified as Pathogenic.

Victorian Clinical Genetics Services, Murdoch Childrens Research Institute
Classification: Pathogenic for Noonan syndrome 1. Last evaluated: 2025-04-21. Review status: criteria provided, single submitter. Criteria: ACMG Guidelines, 2015. Collection method: clinical testing. Allele origin: germline. Affected: yes.
Comment: This variant is classified as Pathogenic. Missense variant with conflicting in silico predictions and uninformative conservation; Loss of function and gain of function are known mechanisms of disease in this gene. Metachondromatosis (MIM#156250) and Noonan syndrome with multiple lentigines (MIM#151100) are associated with loss of function while Noonan syndrome 1 (MIM#163950) is associated with gain of function (OMIM); Variants in this gene are known to have variable expressivity and associated with Noonan syndrome (GeneReviews).

3billion
Classification: Pathogenic for Noonan syndrome 1. Last evaluated: 2025-01-23. Review status: criteria provided, single submitter. Criteria: ACMG Guidelines, 2015. Collection method: clinical testing. Allele origin: germline. Affected: yes.
Comment: The variant is observed at an extremely low frequency in the gnomAD v4.1.0 dataset (total allele frequency: <0.001%). Predicted Consequence/Location: The variant is located in a mutational hot spot and/or well-established functional domain in which established pathogenic variants have been reported. Missense variant. Missense changes are a common disease-causing mechanism. In silico tool predictions suggest damaging effect of the variant on gene or gene product [REVEL: 0.93 (>=0.6, sensitivity 0.68 and specificity 0.92); 3Cnet: 1.00 (>=0.6, sensitivity 0.72 and precision 0.9)]. The same nucleotide change resulting in the same amino acid change has been previously reported as pathogenic/likely pathogenic with strong evidence (ClinVar ID: VCV000013340 /PMID: 11704759 /3billion dataset). The variant has been previously reported as de novo in a similarly affected individual (PMID: 22848035). The variant has been reported to co-segregate with the disease in at least 3 similarly affected relatives/individuals in the same family or similarly affected unrelated families (PMID: 11704759). Different missense changes at the same codon (p.Gln79His, p.Gln79Lys, p.Gln79Pro) have been reported as pathogenic/likely pathogenic with strong evidence (ClinVar ID: VCV000044605, VCV002025797, VCV002735977 /PMID: 12960218, 31370276). Therefore, this variant is classified as Pathogenic according to the recommendation of ACMG/AMP guideline.

Center of Human Genetics, Hôpital Erasme
Classification: Pathogenic for Noonan syndrome 1. Last evaluated: 2025-01-01. Review status: criteria provided, single submitter. Criteria: ACMG Guidelines, 2015. Collection method: clinical testing. Allele origin: inherited. Affected: yes.

Genomic Medicine Center of Excellence, King Faisal Specialist Hospital and Research Centre
Classification: Pathogenic for Noonan syndrome 1. Last evaluated: 2024-12-17. Review status: criteria provided, single submitter. Criteria: ACMG Guidelines, 2015. Collection method: clinical testing. Allele origin: germline.

Dasa
Classification: Pathogenic. Last evaluated: 2024-12-11. Review status: criteria provided, single submitter. Criteria: DASA Assertion Criteria. Collection method: clinical testing. Allele origin: germline.
Comment: NM_002834.5(PTPN11):c.236A>G (p.Gln79Arg) is a missense variant that results in the substitution of glutamine with arginine. Segregation evidence has been reported in affected families. Functional evidence supports a deleterious effect on the gene or gene product (PMID: 15834506; PMID: 16166557; PMID: 17641779; PMID: 19017799; PMID: 11704759). This variant has been recurrently observed in individuals with related phenotype (PMID: 15834506; PMID: 16166557; PMID: 17641779; PMID: 19017799; PMID: 11704759). Multiple computational predictions support a deleterious effect on the gene or gene product. The variant is present at low frequency in population datasets. Based on the available data, this variant is classified as pathogenic.

Blueprint Genetics
Classification: Pathogenic for PTPN11-related disorders. Last evaluated: 2024-09-09. Review status: criteria provided, single submitter. Criteria: ACMG Guidelines, 2015. Collection method: clinical testing. Allele origin: de novo. Affected: yes. Observed: 5 variant alleles.